The following is an entry in ClinVar:

ClinVar aggregate classification (germline): Likely pathogenic (1 of 4 stars; one submission).

Submission:

Labcorp Genetics (formerly Invitae), Labcorp
Classification: Likely pathogenic. Last evaluated: 2021-09-09. Review status: criteria provided, single submitter. Criteria: Invitae Variant Classification Sherloc (09022015). Collection method: clinical testing. Allele origin: germline.
Comment: This variant is not present in population databases (ExAC no frequency). In summary, the currently available evidence indicates that the variant is pathogenic, but additional data are needed to prove that conclusively. Therefore, this variant has been classified as Likely Pathogenic. Algorithms developed to predict the effect of sequence changes on RNA splicing suggest that this variant may disrupt the consensus splice site. This variant has not been reported in the literature in individuals affected with EYS-related conditions. This sequence change affects a donor splice site in intron 6 of the EYS gene. It is expected to disrupt RNA splicing. Variants that disrupt the donor or acceptor splice site typically lead to a loss of protein function (PMID: 16199547), and loss-of-function variants in EYS are known to be pathogenic (PMID: 18836446, 20333770).

Literature cited by the submitters: PubMed 16199547; PubMed 18836446; PubMed 20333770.

NM_001142800.2(EYS):c.1056+2T>C

Gene: EYS (EGF-like photoreceptor maintenance factor; minus strand). Cytogenetic location: 6q12.
Variant type: single nucleotide variant.
Coding change: c.1056+2T>C on transcript NM_001142800.2 (MANE Select); the canonical splice donor site of the intron after coding-DNA position 1056, T replaced by C.
Molecular consequence: splice donor variant.
Genome position (GRCh38, 1-based): chr6:65,405,172, A>G on the plus strand (T>C on the coding strand, the complement: EYS is on the minus strand). VCF-style: chr6-65405172-A-G. GRCh37 (hg19) VCF-style: chr6-66115065-A-G.
Other names: c.1056+2T>C (NM_001292009.2, NM_001142801.2, NM_198283.2).
Identifiers: ClinVar variation 1491738 (VCV001491738.6), dbSNP rs2150365452, ClinGen allele CA364662542.